The following is an entry in ClinVar:

NM_002470.4(MYH3):c.443G>A (p.Arg148His)

Gene: MYH3 (myosin heavy chain 3; minus strand). Cytogenetic location: 17p13.1.
Variant type: single nucleotide variant.
Coding change: c.443G>A on transcript NM_002470.4 (MANE Select); coding-DNA position 443, G replaced by A.
Protein change: p.Arg148His; replaces arginine 148 with histidine.
Molecular consequence: missense variant.
Genome position (GRCh38, 1-based): chr17:10,651,574, C>T on the plus strand (G>A on the coding strand, the complement: MYH3 is on the minus strand). VCF-style: chr17-10651574-C-T. GRCh37 (hg19) VCF-style: chr17-10554891-C-T.
Other names: short protein forms R148H.
Identifiers: ClinVar variation 2761076 (VCV002761076.3), dbSNP rs202142101, ClinGen allele CA8393281.

ClinVar aggregate classification (germline): Uncertain significance (1 of 4 stars; one submission).

Allele frequency attached by ClinVar (database versions not stated): 1000 Genomes Project 30x 0.00031; ExAC 0.00003; ESP Exome Variant Server 0.00008; 1000 Genomes Project 0.00020; gnomAD exomes 0.00003; TOPMed 0.00003.
gnomAD v4.1: 45 of 1,613,976 alleles (0.0028%); highest among the groups gnomAD compares: Middle Eastern, 0.017%; no homozygotes.

Submission:

Labcorp Genetics (formerly Invitae), Labcorp
Classification: Uncertain significance. Last evaluated: 2025-07-20. Review status: criteria provided, single submitter. Criteria: Invitae Variant Classification Sherloc (09022015). Collection method: clinical testing. Allele origin: germline.
Comment: This sequence change replaces arginine, which is basic and polar, with histidine, which is basic and polar, at codon 148 of the MYH3 protein (p.Arg148His). This variant is present in population databases (rs202142101, gnomAD 0.008%). This variant has not been reported in the literature in individuals affected with MYH3-related conditions. ClinVar contains an entry for this variant (Variation ID: 2761076). Invitae Evidence Modeling of protein sequence and biophysical properties (such as structural, functional, and spatial information, amino acid conservation, physicochemical variation, residue mobility, and thermodynamic stability) has been performed for this missense variant. However, the output from this modeling did not meet the statistical confidence thresholds required to predict the impact of this variant on MYH3 protein function. In summary, the available evidence is currently insufficient to determine the role of this variant in disease. Therefore, it has been classified as a Variant of Uncertain Significance.